The following is an entry in ClinVar:

ClinVar aggregate classification (germline): Likely pathogenic (1 of 4 stars; one submission).

Submission:

GeneDx
Classification: Likely pathogenic. Last evaluated: 2026-05-07. Review status: criteria provided, single submitter. Criteria: GeneDx Variant Classification Process June 2021. Collection method: clinical testing. Allele origin: germline.
Comment: Not observed at significant frequency in large population cohorts (gnomAD); Has not been previously published as pathogenic or benign to our knowledge; Nonsense variant predicted to result in protein truncation or nonsense mediated decay in a gene for which loss of function is a known mechanism of disease

NM_001395002.1(MAP4K4):c.1060C>T (p.Arg354Ter)

Gene: MAP4K4 (mitogen-activated protein kinase kinase kinase kinase 4; plus strand). Cytogenetic location: 2q11.2.
Variant type: single nucleotide variant.
Coding change: c.1060C>T on transcript NM_001395002.1 (MANE Select); coding-DNA position 1060, C replaced by T.
Protein change: p.Arg354Ter; replaces arginine 354 with a stop codon.
Molecular consequence: nonsense. On other transcripts: non-coding transcript variant (4).
Genome position (GRCh38, 1-based): chr2:101,844,138, C>T. VCF-style: chr2-101844138-C-T. GRCh37 (hg19) VCF-style: chr2-102460600-C-T.
Other names: c.1060C>T, p.Arg354Ter (NM_001384509.1, NM_001384520.1, NM_001384543.1 and 28 more transcripts); c.1033C>T, p.Arg345Ter (NM_001384549.1, NM_001384550.1, NM_001384551.1 and 16 more transcripts); short protein forms R345*, R354*.
Identifiers: ClinVar variation 3764321 (VCV003764321.2).